The following is an entry in ClinVar:

ClinVar aggregate classification (germline): Pathogenic/Likely pathogenic. Review status: criteria provided, multiple submitters, no conflicts (2 of 4 stars). 2 submissions from 2 submitters: Pathogenic (1); Likely pathogenic (1). Last evaluated 2024-09-05.

Conditions:
Autosomal recessive limb-girdle muscular dystrophy type R18 (LGMDR18). Also called: Limb-girdle muscular dystrophy, type 2S; MUSCULAR DYSTROPHY, LIMB-GIRDLE, AUTOSOMAL RECESSIVE 18; Autosomal recessive limb-girdle muscular dystrophy type 2S. Identifiers: Orphanet 369840, MedGen C4517996, MONDO:0014144, OMIM 615356.

Allele frequency attached by ClinVar (database versions not stated): gnomAD exomes 0.00001; ExAC 0.00002.
gnomAD v4.1: 9 of 1,613,974 alleles (0.00056%); highest among the groups gnomAD compares: East Asian, 0.0022%; no homozygotes.

Submissions (2):

Labcorp Genetics (formerly Invitae), Labcorp
Classification: Pathogenic for Autosomal recessive limb-girdle muscular dystrophy type R18. Last evaluated: 2024-09-05. Review status: criteria provided, single submitter. Criteria: Invitae Variant Classification Sherloc (09022015). Collection method: clinical testing. Allele origin: germline.
Comment: This sequence change creates a premature translational stop signal (p.Arg450*) in the TRAPPC11 gene. It is expected to result in an absent or disrupted protein product. Loss-of-function variants in TRAPPC11 are known to be pathogenic (PMID: 23830518, 26322222). This variant is present in population databases (rs770361045, gnomAD 0.003%). This variant has not been reported in the literature in individuals affected with TRAPPC11-related conditions. ClinVar contains an entry for this variant (Variation ID: 2055283). For these reasons, this variant has been classified as Pathogenic.

Fulgent Genetics
Classification: Likely pathogenic for Autosomal recessive limb-girdle muscular dystrophy type R18. Last evaluated: 2024-04-09. Review status: criteria provided, single submitter. Criteria: ACMG Guidelines, 2015. Collection method: clinical testing. Allele origin: germline.

Literature cited by the submitters: PubMed 23830518 (cited by Labcorp Genetics (formerly Invitae), Labcorp); PubMed 26322222 (cited by Labcorp Genetics (formerly Invitae), Labcorp).

NM_021942.6(TRAPPC11):c.1348C>T (p.Arg450Ter)

Gene: TRAPPC11 (trafficking protein particle complex subunit 11; plus strand). Cytogenetic location: 4q35.1.
Variant type: single nucleotide variant.
Coding change: c.1348C>T on transcript NM_021942.6 (MANE Select); coding-DNA position 1348, C replaced by T.
Protein change: p.Arg450Ter; replaces arginine 450 with a stop codon.
Molecular consequence: nonsense.
Genome position (GRCh38, 1-based): chr4:183,684,205, C>T. VCF-style: chr4-183684205-C-T. GRCh37 (hg19) VCF-style: chr4-184605358-C-T.
Other names: c.1348C>T, p.Arg450Ter (NM_199053.3); short protein forms R450*.
Identifiers: ClinVar variation 2055283 (VCV002055283.5), dbSNP rs770361045, ClinGen allele CA3151887.
Genomic context (GRCh38, chr4:183,684,205, plus strand): 5'-GAGATAATCATAACTCTTCTGAGCAATGCTGTTGCACAGTTCAAGAAGTATAAGTGCCCG[C>T]GAATGAAAAGTCACCTAAGTATGTATCCACAAACGTCACCATTGCATGCAACTTTGAATG-3'